The following is an entry in ClinVar:

NM_032242.4(PLXNA1):c.4656G>A (p.Ala1552=)

Gene: PLXNA1 (plexin A1; plus strand). Cytogenetic location: 3q21.3.
Variant type: single nucleotide variant.
Coding change: c.4656G>A on transcript NM_032242.4 (MANE Select); coding-DNA position 4656, G replaced by A.
Protein change: p.Ala1552=; no amino-acid change (alanine 1552 retained).
Molecular consequence: synonymous variant.
Genome position (GRCh38, 1-based): chr3:127,028,327, G>A. VCF-style: chr3-127028327-G-A. GRCh37 (hg19) VCF-style: chr3-126747170-G-A.
Identifiers: ClinVar variation 3351242 (VCV003351242.1).

ClinVar aggregate classification (germline): Likely benign (0 of 4 stars; one submission).

Conditions:
PLXNA1-related disorder. Also called: PLXNA1-related condition.

gnomAD v4.1: 40 of 1,611,332 alleles (0.0025%); highest among the groups gnomAD compares: Non-Finnish European, 0.0028%; no homozygotes.

Submission:

PreventionGenetics, part of Exact Sciences
Classification: Likely benign for PLXNA1-related condition. Last evaluated: 2022-04-21. Review status: no assertion criteria provided. Collection method: clinical testing. Allele origin: germline.
Comment: This variant is classified as likely benign based on ACMG/AMP sequence variant interpretation guidelines (Richards et al. 2015 PMID: 25741868, with internal and published modifications).